The following is an entry in ClinVar:

NM_031844.3(HNRNPU):c.526C>T (p.Gln176Ter)

Gene: HNRNPU (heterogeneous nuclear ribonucleoprotein U; minus strand). Cytogenetic location: 1q44.
Variant type: single nucleotide variant.
Coding change: c.526C>T on transcript NM_031844.3 (MANE Select); coding-DNA position 526, C replaced by T.
Protein change: p.Gln176Ter; replaces glutamine 176 with a stop codon.
Molecular consequence: nonsense.
Genome position (GRCh38, 1-based): chr1:244,863,782, G>A on the plus strand (C>T on the coding strand, the complement: HNRNPU is on the minus strand). VCF-style: chr1-244863782-G-A. GRCh37 (hg19) VCF-style: chr1-245027084-G-A.
Other names: c.526C>T, p.Gln176Ter (NM_004501.3); short protein forms Q176*.
Identifiers: ClinVar variation 4854027 (VCV004854027.1).
Genomic context (GRCh38, chr1:244,863,782, plus strand): 5'-CCGCGAACAGCGAGGTGGGGCCGCTGCTCTTCCCCGCGGCCTCCTTGGCGGCCCCGCGCT[G>A]CTGTTGGGGCTGTTGCTGCTGCGTCGCCGGCGGTTGAGGCTGCTGCTCCCCGTGCCCGTT-3'

ClinVar aggregate classification (germline): Likely pathogenic (1 of 4 stars; one submission).

Conditions:
Developmental and epileptic encephalopathy, 54. Also called: Epileptic encephalopathy, early infantile, 54; HNRNPU-Related Neurodevelopmental Disorder. Identifiers: MedGen C4479319, MONDO:0033363, OMIM 617391.

Submission:

3billion
Classification: Likely pathogenic for Developmental and epileptic encephalopathy, 54. Last evaluated: 2026-01-13. Review status: criteria provided, single submitter. Criteria: ACMG Guidelines, 2015. Collection method: clinical testing. Allele origin: germline. Affected: yes.
Comment: The variant is not observed in the gnomAD v4.1.0 dataset. Predicted Consequence/Location: Stop-gained (nonsense): predicted to result in a loss or disruption of normal protein function through nonsense-mediated decay (NMD) or protein truncation. Multiple pathogenic variants are reported downstream of the variant. Therefore, this variant is classified as Likely pathogenic according to the recommendation of ACMG/AMP guideline.